The following is an entry in ClinVar:

ClinVar aggregate classification (germline): Uncertain significance (1 of 4 stars; one submission).

Conditions:
Hereditary cancer-predisposing syndrome. Also called: Neoplastic Syndromes, Hereditary; Tumor predisposition; Hereditary neoplastic syndrome; Hereditary Cancer Syndrome. Identifiers: Orphanet 140162, MedGen C0027672, MeSH D009386, MONDO:0015356.

Allele frequency attached by ClinVar (database versions not stated): gnomAD exomes below 0.00001.
gnomAD v4.1: 1 of 1,614,122 alleles (0.000062%); highest among the groups gnomAD compares: Non-Finnish European, 0.000085%; no homozygotes.

Submission:

Ambry Genetics
Classification: Uncertain significance for Hereditary cancer-predisposing syndrome. Last evaluated: 2022-12-01. Review status: criteria provided, single submitter. Criteria: Ambry Variant Classification Scheme 2023. Collection method: clinical testing. Allele origin: germline.
Comment: The p.K1021Q variant (also known as c.3061A>C), located in coding exon 18 of the DICER1 gene, results from an A to C substitution at nucleotide position 3061. The lysine at codon 1021 is replaced by glutamine, an amino acid with similar properties. This amino acid position is conserved. In addition, this alteration is predicted to be tolerated by in silico analysis. Since supporting evidence is limited at this time, the clinical significance of this alteration remains unclear.

NM_177438.3(DICER1):c.3061A>C (p.Lys1021Gln)

Gene: DICER1 (dicer 1, ribonuclease III; minus strand). Cytogenetic location: 14q32.13.
Variant type: single nucleotide variant.
Coding change: c.3061A>C on transcript NM_177438.3 (MANE Select); coding-DNA position 3061, A replaced by C.
Protein change: p.Lys1021Gln; replaces lysine 1021 with glutamine.
Molecular consequence: missense variant. On other transcripts: non-coding transcript variant (6).
Genome position (GRCh38, 1-based): chr14:95,105,710, T>G on the plus strand (A>C on the coding strand, the complement: DICER1 is on the minus strand). VCF-style: chr14-95105710-T-G. GRCh37 (hg19) VCF-style: chr14-95572047-T-G.
Other names: c.2779A>C, p.Lys927Gln (NM_001395686.1); c.2656A>C, p.Lys886Gln (NM_001395687.1, NM_001395688.1, NM_001395689.1 and 2 more transcripts); c.2494A>C, p.Lys832Gln (NM_001395691.1); c.3061A>C, p.Lys1021Gln (NM_001395692.1, NM_001395693.1, NM_001395694.1 and 13 more transcripts); c.1378A>C, p.Lys460Gln (NM_001395697.1); short protein forms K1021Q, K832Q, K886Q, K460Q, K927Q.
Identifiers: ClinVar variation 2451694 (VCV002451694.2), dbSNP rs2542773486, ClinGen allele CA390878124.
Genomic context (GRCh38, chr14:95,105,710, plus strand): 5'-AGTTATGCTAGTACAATTAACTCATTACCTGTTTATTCTGCAGACTTTCCCATTTGGCTT[T>G]CCTCTTCTCAGCACTGCTTAAAGGAAGCGCTTTCCCCTTCTGATTCAAATGTCGAGGTGT-3'
Protein context (NP_803187.1, residues 1011-1031): ALPLSSAEKR[Lys1021Gln]AKWESLQNKQ